The following is an entry in ClinVar:

ClinVar aggregate classification (germline): Uncertain significance. Review status: criteria provided, multiple submitters, no conflicts (2 of 4 stars). 3 submissions from 3 submitters: Uncertain significance (3). Last evaluated 2023-07-01.

Conditions:
Developmental and epileptic encephalopathy, 18 (DEE18). Also called: Early infantile epileptic encephalopathy 18. Identifiers: Orphanet 369894, MedGen C3809624, MONDO:0014201, OMIM 615476.

Allele frequency attached by ClinVar (database versions not stated): TOPMed below 0.00001; gnomAD 0.00001.
gnomAD v4.1: 2 of 1,581,484 alleles (0.00013%); no homozygotes.

Submissions (3):

CeGaT Center for Human Genetics Tuebingen
Classification: Uncertain significance. Last evaluated: 2023-07-01. Review status: criteria provided, single submitter. Criteria: CeGaT Center For Human Genetics Tuebingen Variant Classification Criteria Version 2. Collection method: clinical testing. Allele origin: germline. Affected: yes. Observed: 1 variant allele.
Comment: SZT2: PM2, PP3

Genome-Nilou Lab
Classification: Uncertain significance for Developmental and epileptic encephalopathy, 18. Last evaluated: 2023-04-11. Review status: criteria provided, single submitter. Criteria: ACMG Guidelines, 2015. Collection method: clinical testing. Allele origin: germline. Affected: no.

Labcorp Genetics (formerly Invitae), Labcorp
Classification: Uncertain significance. Last evaluated: 2021-01-14. Review status: criteria provided, single submitter. Criteria: Invitae Variant Classification Sherloc (09022015). Collection method: clinical testing. Allele origin: germline.
Comment: In summary, the available evidence is currently insufficient to determine the role of this variant in disease. Therefore, it has been classified as a Variant of Uncertain Significance. This sequence change replaces aspartic acid with tyrosine at codon 589 of the SZT2 protein (p.Asp589Tyr). The aspartic acid residue is weakly conserved and there is a large physicochemical difference between aspartic acid and tyrosine. This variant is not present in population databases (ExAC no frequency). This variant has not been reported in the literature in individuals with SZT2-related conditions. Algorithms developed to predict the effect of missense changes on protein structure and function are either unavailable or do not agree on the potential impact of this missense change (SIFT: "Deleterious"; PolyPhen-2: "Probably Damaging"; Align-GVGD: "Class C0").

NM_001365999.1(SZT2):c.1765G>T (p.Asp589Tyr)

Gene: SZT2 (SZT2 subunit of KICSTOR complex; plus strand). Cytogenetic location: 1p34.2.
Variant type: single nucleotide variant.
Coding change: c.1765G>T on transcript NM_001365999.1 (MANE Select); coding-DNA position 1765, G replaced by T.
Protein change: p.Asp589Tyr; replaces aspartic acid 589 with tyrosine.
Molecular consequence: missense variant.
Genome position (GRCh38, 1-based): chr1:43,422,221, G>T. VCF-style: chr1-43422221-G-T. GRCh37 (hg19) VCF-style: chr1-43887892-G-T.
Other names: c.1765G>T, p.Asp589Tyr (NM_015284.4); short protein forms D589Y.
Identifiers: ClinVar variation 1445038 (VCV001445038.31), dbSNP rs1169459726, ClinGen allele CA340009880.
Genomic context (GRCh38, chr1:43,422,221, plus strand): 5'-GATGCAAATTCCTGGCAGCGATGGCTGCACATGCATCGCCTGGTGCTAATCCTGGAGCAT[G>T]ACACGTGGGTGCCCTTAGGGCTGGGCCATAGTTGGGGTGGAGTATCGGGGTCAGGGGGAT-3'
Protein context (NP_001352928.1, residues 579-599): MHRLVLILEH[Asp589Tyr]TPIPKHLHTP